The following is an entry in ClinVar:

NM_000135.4(FANCA):c.1348G>C (p.Asp450His)

Gene: FANCA (FA complementation group A; minus strand). Cytogenetic location: 16q24.3.
Variant type: single nucleotide variant.
Coding change: c.1348G>C on transcript NM_000135.4 (MANE Select); coding-DNA position 1348, G replaced by C.
Protein change: p.Asp450His; replaces aspartic acid 450 with histidine.
Molecular consequence: missense variant.
Genome position (GRCh38, 1-based): chr16:89,791,414, C>G on the plus strand (G>C on the coding strand, the complement: FANCA is on the minus strand). VCF-style: chr16-89791414-C-G. GRCh37 (hg19) VCF-style: chr16-89857822-C-G.
Other names: c.1348G>C, p.Asp450His (NM_001286167.3); c.1348G>C (NM_000135.3); short protein forms D450H.
Identifiers: ClinVar variation 2414913 (VCV002414913.5), dbSNP rs1262122499, ClinGen allele CA397463665.
Genomic context (GRCh38, chr16:89,791,414, plus strand): 5'-GCCTTCTGGGAAGATCAGGTATTAGGTAGCCGATTGGCAGGTCACTTACCTTGAACCAGT[C>G]TGCATATGACAGGAACGCAGAGGGGCCCTCCAGTGCTGCCTGGCGCACAACCAGGAACGC-3'
Protein context (NP_000126.2, residues 440-460): EGPSAFLSYA[Asp450His]WFKASFGSTR

ClinVar aggregate classification (germline): Uncertain significance. Review status: criteria provided, multiple submitters, no conflicts (2 of 4 stars). 3 submissions from 3 submitters: Uncertain significance (3). Last evaluated 2025-02-07.

Conditions:
Inborn genetic diseases. Identifiers: MedGen C0950123, MeSH D030342.
Fanconi anemia (FA). Also called: Fanconi's anemia. Identifiers: Orphanet 84, MedGen C0015625, MeSH D005199, MONDO:0019391.

gnomAD v4.1: 1 of 1,614,032 alleles (0.000062%); highest among the groups gnomAD compares: Admixed American, 0.0017%; no homozygotes.

Submissions (3):

Ambry Genetics
Classification: Uncertain significance for Inborn genetic diseases. Last evaluated: 2025-02-07. Review status: criteria provided, single submitter. Criteria: Ambry Variant Classification Scheme 2023. Collection method: clinical testing. Allele origin: germline.
Comment: The p.D450H variant (also known as c.1348G>C), located in coding exon 14 of the FANCA gene, results from a G to C substitution at nucleotide position 1348. The aspartic acid at codon 450 is replaced by histidine, an amino acid with similar properties. This amino acid position is conserved. In addition, the in silico prediction for this alteration is inconclusive. Based on the available evidence, the clinical significance of this variant remains unclear.

Quest Diagnostics Nichols Institute San Juan Capistrano
Classification: Uncertain significance. Last evaluated: 2022-12-03. Review status: criteria provided, single submitter. Criteria: Quest Diagnostics criteria. Collection method: clinical testing. Allele origin: unknown.
Comment: This variant has not been reported in the published literature. It also has not been reported in large, multi-ethnic general populations. Analysis of this variant using bioinformatics tools for the prediction of the effect of amino acid changes on protein structure and function yielded predictions that this variant is benign. Based on the available information, we are unable to determine the clinical significance of this variant.

Labcorp Genetics (formerly Invitae), Labcorp
Classification: Uncertain significance for Fanconi anemia. Last evaluated: 2022-07-15. Review status: criteria provided, single submitter. Criteria: Invitae Variant Classification Sherloc (09022015). Collection method: clinical testing. Allele origin: germline.
Comment: This sequence change replaces aspartic acid, which is acidic and polar, with histidine, which is basic and polar, at codon 450 of the FANCA protein (p.Asp450His). This variant is not present in population databases (gnomAD no frequency). This variant has not been reported in the literature in individuals affected with FANCA-related conditions. Algorithms developed to predict the effect of missense changes on protein structure and function are either unavailable or do not agree on the potential impact of this missense change (SIFT: "Deleterious"; PolyPhen-2: "Possibly Damaging"; Align-GVGD: "Class C0"). In summary, the available evidence is currently insufficient to determine the role of this variant in disease. Therefore, it has been classified as a Variant of Uncertain Significance.